The following is an entry in ClinVar:

NM_031407.7(HUWE1):c.10567A>G (p.Ile3523Val)

Gene: HUWE1 (HECT, UBA and WWE domain containing E3 ubiquitin protein ligase 1; minus strand). Cytogenetic location: Xp11.22.
Variant type: single nucleotide variant.
Coding change: c.10567A>G on transcript NM_031407.7 (MANE Select); coding-DNA position 10567, A replaced by G.
Protein change: p.Ile3523Val; replaces isoleucine 3523 with valine.
Molecular consequence: missense variant.
Genome position (GRCh38, 1-based): chrX:53,547,742, T>C on the plus strand (A>G on the coding strand, the complement: HUWE1 is on the minus strand). VCF-style: chrX-53547742-T-C. GRCh37 (hg19) VCF-style: chrX-53574703-T-C.
Other names: short protein forms I3523V.
Identifiers: ClinVar variation 1215007 (VCV001215007.3), dbSNP rs2147214004, ClinGen allele CA413135320.

ClinVar aggregate classification (germline): Uncertain significance (1 of 4 stars; one submission).

Allele frequency attached by ClinVar (database versions not stated): gnomAD exomes below 0.00001.
gnomAD v4.1: 3 of 1,205,242 alleles (0.00025%); highest among the groups gnomAD compares: Non-Finnish European, 0.00034%; no homozygotes.

Submission:

GeneDx
Classification: Uncertain significance. Last evaluated: 2019-05-07. Review status: criteria provided, single submitter. Criteria: GeneDx Variant Classification Process June 2021. Collection method: clinical testing. Allele origin: germline. Affected: yes.
Comment: Not observed in large population cohorts (Lek et al., 2016); In silico analysis, which includes protein predictors and evolutionary conservation, supports that this variant does not alter protein structure/function; Has not been previously published as pathogenic or benign to our knowledge